The following is an entry in ClinVar:

ClinVar aggregate classification (germline): Uncertain significance. Review status: criteria provided, multiple submitters, no conflicts (2 of 4 stars). 3 submissions from 3 submitters: Uncertain significance (3). Last evaluated 2023-10-25.

Conditions:
Inborn genetic diseases. Identifiers: MedGen C0950123, MeSH D030342.
Retinitis pigmentosa 71 (RP71). Identifiers: Orphanet 791, MedGen C4225342, MONDO:0014618, OMIM 616394.
Short-rib thoracic dysplasia 10 with or without polydactyly (SRTD10). Identifiers: Orphanet 474, MedGen C3810175, MONDO:0014284, OMIM 615630.
Bardet-Biedl syndrome 20. Identifiers: MedGen C4310707, MONDO:0023670, OMIM 619471, MONDO:0014926.

Allele frequency attached by ClinVar (database versions not stated): gnomAD 0.00001; gnomAD exomes 0.00001 and 0.00002; TOPMed 0.00001; ExAC 0.00002; ESP Exome Variant Server 0.00008.
gnomAD v4.1: 23 of 1,614,040 alleles (0.0014%); highest among the groups gnomAD compares: Middle Eastern, 0.016%; no homozygotes.

Submissions (3):

Ambry Genetics
Classification: Uncertain significance for Inborn genetic diseases. Last evaluated: 2023-10-25. Review status: criteria provided, single submitter. Criteria: Ambry Variant Classification Scheme 2023. Collection method: clinical testing. Allele origin: germline.

Labcorp Genetics (formerly Invitae), Labcorp
Classification: Uncertain significance for Retinitis pigmentosa 71; Short-rib thoracic dysplasia 10 with or without polydactyly. Last evaluated: 2022-06-27. Review status: criteria provided, single submitter. Criteria: Invitae Variant Classification Sherloc (09022015). Collection method: clinical testing. Allele origin: germline.
Comment: In summary, the available evidence is currently insufficient to determine the role of this variant in disease. Therefore, it has been classified as a Variant of Uncertain Significance. Algorithms developed to predict the effect of missense changes on protein structure and function are either unavailable or do not agree on the potential impact of this missense change (SIFT: "Deleterious"; PolyPhen-2: "Probably Damaging"; Align-GVGD: "Class C0"). This variant has not been reported in the literature in individuals affected with IFT172-related conditions. This variant is present in population databases (rs148997142, gnomAD 0.01%). This sequence change replaces arginine, which is basic and polar, with tryptophan, which is neutral and slightly polar, at codon 1066 of the IFT172 protein (p.Arg1066Trp).

Fulgent Genetics
Classification: Uncertain significance for Short-rib thoracic dysplasia 10 with or without polydactyly; Retinitis pigmentosa 71; Bardet-Biedl syndrome 20. Last evaluated: 2022-05-02. Review status: criteria provided, single submitter. Criteria: ACMG Guidelines, 2015. Collection method: clinical testing. Allele origin: unknown.

NM_015662.3(IFT172):c.3196C>T (p.Arg1066Trp)

Gene: IFT172 (intraflagellar transport 172; minus strand). Cytogenetic location: 2p23.3.
Variant type: single nucleotide variant.
Coding change: c.3196C>T on transcript NM_015662.3 (MANE Select); coding-DNA position 3196, C replaced by T.
Protein change: p.Arg1066Trp; replaces arginine 1066 with tryptophan.
Molecular consequence: missense variant.
Genome position (GRCh38, 1-based): chr2:27,457,671, G>A on the plus strand (C>T on the coding strand, the complement: IFT172 is on the minus strand). VCF-style: chr2-27457671-G-A. GRCh37 (hg19) VCF-style: chr2-27680538-G-A.
Other names: c.3196C>T (NM_015662.1); short protein forms R1066W.
Identifiers: ClinVar variation 1415255 (VCV001415255.8), dbSNP rs148997142, ClinGen allele CA1580060.
Genomic context (GRCh38, chr2:27,457,671, plus strand): 5'-ATCCCTCAGTGTGGCCTGAACTCCTTACCCTGTAGGCCTCTTCCCAAAGCCCACTGGCCC[G>A]GTACATGTTCACTGTTGCCTTCCATTCCTGGGCCTCGAGGTAGTGGTACTCAGCCTCCTG-3'
Protein context (NP_056477.1, residues 1056-1076): QEWKATVNMY[Arg1066Trp]ASGLWEEAYR